The following is an entry in ClinVar:

ClinVar aggregate classification (germline): Benign (1 of 4 stars; one submission).

Conditions:
Seizures, benign familial infantile, 3 (BFIS3). Also called: CONVULSIONS, BENIGN FAMILIAL INFANTILE, 3; Familial neonatal seizures. Identifiers: Orphanet 140927, Orphanet 306, MedGen C1843140, MONDO:0011904, OMIM 607745.

Allele frequency attached by ClinVar (database versions not stated): 1000 Genomes Project 0.03934; 1000 Genomes Project 30x 0.04263; gnomAD 0.03107 and 0.03304; TOPMed 0.03493.

Submission:

Illumina Laboratory Services, Illumina
Classification: Benign for Seizures, benign familial infantile, 3. Last evaluated: 2018-01-13. Review status: criteria provided, single submitter. Criteria: ICSL Variant Classification Criteria 13 December 2019. Collection method: clinical testing. Allele origin: germline.
Comment: This variant was observed in the ICSL laboratory as part of a predisposition screen in an ostensibly healthy population. It had not been previously curated by ICSL or reported in the Human Gene Mutation Database (HGMD: prior to June 1st, 2018), and was therefore a candidate for classification through an automated scoring system. Utilizing variant allele frequency, disease prevalence and penetrance estimates, and inheritance mode, an automated score was calculated to assess if this variant is too frequent to cause the disease. Based on the score and internal cut-off values, a variant classified as benign is not then subjected to further curation. The score for this variant resulted in a classification of benign for this disease.

NM_001040142.2(SCN2A):c.*1758C>T

Gene: SCN2A (sodium voltage-gated channel alpha subunit 2; plus strand). Cytogenetic location: 2q24.3.
Variant type: single nucleotide variant.
Coding change: c.*1758C>T on transcript NM_001040142.2 (MANE Select); 1758 bases downstream of the stop codon, C replaced by T.
Molecular consequence: 3 prime UTR variant.
Genome position (GRCh38, 1-based): chr2:165,391,582, C>T. VCF-style: chr2-165391582-C-T. GRCh37 (hg19) VCF-style: chr2-166248092-C-T.
Other names: c.*1758C>T (NM_001040143.2, NM_001371246.1, NM_001371247.1 and 1 more transcripts).
Identifiers: ClinVar variation 331758 (VCV000331758.5), dbSNP rs75263553, ClinGen allele CA10612426.